The following is an entry in ClinVar:

ClinVar aggregate classification (germline): Benign/Likely benign. Review status: criteria provided, multiple submitters, no conflicts (2 of 4 stars). 10 submissions from 10 submitters: Benign (4); Likely benign (4). 2 of the submissions do not count toward it. Last evaluated 2026-06-01.

Conditions:
RYR1-related disorder. Also called: RYR1-related disorders; RYR1-related condition. Identifiers: MedGen CN239331.
Malignant hyperthermia, susceptibility to, 1 (MHS1). Also called: Anesthesia related hyperthermia; Malignant hyperpyrexia; Fulminating hyperpyrexia; Pharmacogenic myopathy; RYR1-Related Malignant Hyperthermia Susceptibility; Malignant hyperthermia suceptibility 1. Identifiers: Orphanet 423, MedGen C2930980, MONDO:0007783, OMIM 145600.

Allele frequency attached by ClinVar (database versions not stated): gnomAD exomes 0.00035 and 0.00088; ExAC 0.00096; 1000 Genomes Project 30x 0.00297; 1000 Genomes Project 0.00319; ESP Exome Variant Server 0.00346; gnomAD 0.00357 and 0.00390; TOPMed 0.00393.
gnomAD v4.1: 1,074 of 1,613,646 alleles (0.067%); highest among the groups gnomAD compares: African/African-American, 1.3%; 5 homozygotes.

Submissions (10):

CeGaT Center for Human Genetics Tuebingen
Classification: Likely benign. Last evaluated: 2026-06-01. Review status: criteria provided, single submitter. Criteria: CeGaT Center For Human Genetics Tuebingen Variant Classification Criteria Version 2. Collection method: clinical testing. Allele origin: germline. Affected: yes. Observed: 1 variant allele.
Comment: RYR1: BP4, BP7, BS1

Labcorp Genetics (formerly Invitae), Labcorp
Classification: Benign for RYR1-related disorder. Last evaluated: 2026-01-28. Review status: criteria provided, single submitter. Criteria: Invitae Variant Classification Sherloc (09022015). Collection method: clinical testing. Allele origin: germline.

Mayo Clinic Laboratories, Mayo Clinic
Classification: Likely benign. Last evaluated: 2025-05-16. Review status: criteria provided, single submitter. Criteria: ACMG Guidelines, 2015. Collection method: clinical testing. Allele origin: germline. Observed: 7 variant alleles.
Comment: BS1, BP4, BP7

Blueprint Genetics
Classification: Likely benign. Last evaluated: 2024-10-18. Review status: criteria provided, single submitter. Criteria: ACMG Guidelines, 2015. Collection method: clinical testing. Allele origin: germline.

All of Us Research Program, National Institutes of Health
Classification: Benign for Malignant hyperthermia, susceptibility to, 1. Last evaluated: 2024-02-05. Review status: criteria provided, single submitter. Criteria: ACMG Guidelines, 2015. Collection method: clinical testing. Allele origin: germline. Inheritance: Autosomal dominant inheritance. Observed: 205 variant alleles, 203 heterozygotes, 2 homozygotes.
Comment: This study involves interpretation of variants in research participants for the purpose of population health screening. Participant phenotype was not available at the time of variant classification. Additional details can be found in publication PMID: 35346344, PMCID: PMC8962531

Color Diagnostics, LLC DBA Color Health
Classification: Benign for Malignant hyperthermia, susceptibility to, 1. Last evaluated: 2022-11-06. Review status: criteria provided, single submitter. Criteria: ACMG Guidelines, 2015. Collection method: clinical testing. Allele origin: germline.

GeneDx
Classification: Likely benign. Last evaluated: 2020-12-07. Review status: criteria provided, single submitter. Criteria: GeneDx Variant Classification Process June 2021. Collection method: clinical testing. Allele origin: germline. Affected: yes.

PreventionGenetics, part of Exact Sciences
Classification: Benign. Last evaluated: 2016-04-20. Review status: criteria provided, single submitter. Criteria: ACMG Guidelines, 2015. Collection method: clinical testing. Allele origin: germline.

Genome Diagnostics Laboratory, University Medical Center Utrecht
Classification: Benign. Review status: no assertion criteria provided. Collection method: clinical testing. Allele origin: germline. Affected: yes. Study: VKGL Data-share Consensus. Not counted in ClinVar's aggregate classification.

Joint Genome Diagnostic Labs from Nijmegen and Maastricht, Radboudumc and MUMC+
Classification: Benign. Review status: no assertion criteria provided. Collection method: clinical testing. Allele origin: germline. Affected: yes. Study: VKGL Data-share Consensus. Not counted in ClinVar's aggregate classification.

NM_000540.3(RYR1):c.6732G>A (p.Arg2244=)

Gene: RYR1 (ryanodine receptor 1; plus strand). Cytogenetic location: 19q13.2.
Variant type: single nucleotide variant.
Coding change: c.6732G>A on transcript NM_000540.3 (MANE Select); coding-DNA position 6732, G replaced by A.
Protein change: p.Arg2244=; no amino-acid change (arginine 2244 retained).
Molecular consequence: synonymous variant.
Genome position (GRCh38, 1-based): chr19:38,496,477, G>A. VCF-style: chr19-38496477-G-A. GRCh37 (hg19) VCF-style: chr19-38987117-G-A.
Other names: p.Arg2244=; c.6732G>A, p.Arg2244= (NM_001042723.2).
Identifiers: ClinVar variation 256540 (VCV000256540.26), dbSNP rs78915828, ClinGen allele CA068616.